The following is an entry in ClinVar:

ClinVar aggregate classification (germline): Uncertain significance. Review status: criteria provided, multiple submitters, no conflicts (2 of 4 stars). 3 submissions from 3 submitters: Uncertain significance (3). Last evaluated 2024-03-26.

Conditions:
Jeune thoracic dystrophy. Also called: Jeune syndrome; Infantile thoracic dystrophy; Thoracic pelvic phalangeal dystrophy; Jeune's syndrome; Chondroectodermal dysplasia-like syndrome; Short-rib thoracic dysplasia. Identifiers: Orphanet 474, MedGen C0265275, MONDO:0018770.
Asphyxiating thoracic dystrophy 2 (SRTD2). Also called: SHORT-RIB THORACIC DYSPLASIA 2 WITH OR WITHOUT POLYDACTYLY; SHORT-RIB THORACIC DYSPLASIA 2 WITH POLYDACTYLY; SHORT-RIB THORACIC DYSPLASIA 2 WITHOUT POLYDACTYLY. Identifiers: Orphanet 474, MedGen C1970005, MONDO:0012644, OMIM 611263.

Allele frequency attached by ClinVar (database versions not stated): gnomAD exomes 0.00001 and 0.00002; ExAC 0.00002; gnomAD 0.00005; TOPMed 0.00005; ESP Exome Variant Server 0.00015.
gnomAD v4.1: 38 of 1,603,054 alleles (0.0024%); highest among the groups gnomAD compares: Admixed American, 0.005%; no homozygotes.

Submissions (3):

Fulgent Genetics
Classification: Uncertain significance for Asphyxiating thoracic dystrophy 2. Last evaluated: 2024-03-26. Review status: criteria provided, single submitter. Criteria: ACMG Guidelines, 2015. Collection method: clinical testing. Allele origin: germline.

Labcorp Genetics (formerly Invitae), Labcorp
Classification: Uncertain significance for Jeune thoracic dystrophy. Last evaluated: 2022-08-20. Review status: criteria provided, single submitter. Criteria: Invitae Variant Classification Sherloc (09022015). Collection method: clinical testing. Allele origin: germline.
Comment: This sequence change replaces arginine, which is basic and polar, with histidine, which is basic and polar, at codon 402 of the IFT80 protein (p.Arg402His). This variant is present in population databases (rs147955112, gnomAD 0.005%). This variant has not been reported in the literature in individuals affected with IFT80-related conditions. ClinVar contains an entry for this variant (Variation ID: 343970). Algorithms developed to predict the effect of missense changes on protein structure and function (SIFT, PolyPhen-2, Align-GVGD) all suggest that this variant is likely to be tolerated. In summary, the available evidence is currently insufficient to determine the role of this variant in disease. Therefore, it has been classified as a Variant of Uncertain Significance.

Illumina Laboratory Services, Illumina
Classification: Uncertain significance for Asphyxiating thoracic dystrophy 2. Last evaluated: 2018-01-13. Review status: criteria provided, single submitter. Criteria: ICSL Variant Classification Criteria 13 December 2019. Collection method: clinical testing. Allele origin: germline.

NM_020800.3(IFT80):c.1205G>A (p.Arg402His)

Genes: TRIM59-IFT80 (TRIM59-IFT80 readthrough (NMD candidate); minus strand), IFT80 (intraflagellar transport 80; minus strand). Cytogenetic location: 3q25.33.
Variant type: single nucleotide variant.
Coding change: c.1205G>A on transcript NM_020800.3 (MANE Select); coding-DNA position 1205, G replaced by A.
Protein change: p.Arg402His; replaces arginine 402 with histidine.
Molecular consequence: missense variant. On other transcripts: non-coding transcript variant (3).
Genome position (GRCh38, 1-based): chr3:160,300,993, C>T on the plus strand (G>A on the coding strand, the complement: IFT80 is on the minus strand). VCF-style: chr3-160300993-C-T. GRCh37 (hg19) VCF-style: chr3-160018781-C-T.
Other names: c.794G>A, p.Arg265His (NM_001190241.2, NM_001190242.2); short protein forms R402H, R265H.
Identifiers: ClinVar variation 343970 (VCV000343970.8), dbSNP rs147955112, ClinGen allele CA2685222.